The following is an entry in ClinVar:

NM_001394062.1(MACF1):c.11743T>C (p.Ser3915Pro)

Gene: MACF1 (microtubule actin crosslinking factor 1; plus strand). Cytogenetic location: 1p34.3.
Variant type: single nucleotide variant.
Coding change: c.11743T>C on transcript NM_001394062.1 (MANE Select); coding-DNA position 11743, T replaced by C.
Protein change: p.Ser3915Pro; replaces serine 3915 with proline.
Molecular consequence: missense variant.
Genome position (GRCh38, 1-based): chr1:39,357,693, T>C. VCF-style: chr1-39357693-T-C. GRCh37 (hg19) VCF-style: chr1-39823365-T-C.
Other names: c.5557T>C (NM_012090.4); c.5557T>C, p.Ser1853Pro (NM_012090.5); short protein forms S1853P, S3915P.
Identifiers: ClinVar variation 2049971 (VCV002049971.36), dbSNP rs148356076, ClinGen allele CA781657.

ClinVar aggregate classification (germline): Benign/Likely benign. Review status: criteria provided, multiple submitters, no conflicts (2 of 4 stars). 6 submissions from 6 submitters: Benign (1); Likely benign (4). 1 of the submissions does not count toward it. Last evaluated 2026-01-01.

Conditions:
MACF1-related disorder. Also called: MACF1-related condition.
Lissencephaly 9 with complex brainstem malformation. Identifiers: Orphanet 572013, MedGen C5193029, MONDO:0032677, OMIM 618325.
Inborn genetic diseases. Identifiers: MedGen C0950123, MeSH D030342.

Allele frequency attached by ClinVar (database versions not stated): 1000 Genomes Project 30x 0.00016; 1000 Genomes Project 0.00020; ExAC 0.00053; gnomAD 0.00081; TOPMed 0.00086; ESP Exome Variant Server 0.00108; gnomAD exomes 0.00128.
gnomAD v4.1: 1,982 of 1,614,084 alleles (0.12%); highest among the groups gnomAD compares: Non-Finnish European, 0.16%; 3 homozygotes.

Submissions (6):

CeGaT Center for Human Genetics Tuebingen
Classification: Benign. Last evaluated: 2026-01-01. Review status: criteria provided, single submitter. Criteria: CeGaT Center For Human Genetics Tuebingen Variant Classification Criteria Version 2. Collection method: clinical testing. Allele origin: germline. Affected: yes. Observed: 2 variant alleles.
Comment: MACF1: BP4, BS1, BS2

Labcorp Genetics (formerly Invitae), Labcorp
Classification: Likely benign. Last evaluated: 2025-04-23. Review status: criteria provided, single submitter. Criteria: Invitae Variant Classification Sherloc (09022015). Collection method: clinical testing. Allele origin: germline.

Blueprint Genetics
Classification: Likely benign. Last evaluated: 2024-11-19. Review status: criteria provided, single submitter. Criteria: ACMG Guidelines, 2015. Collection method: clinical testing. Allele origin: germline.

Genome-Nilou Lab
Classification: Likely benign for Lissencephaly 9 with complex brainstem malformation. Last evaluated: 2023-04-11. Review status: criteria provided, single submitter. Criteria: ACMG Guidelines, 2015. Collection method: clinical testing. Allele origin: germline. Affected: no.

Ambry Genetics
Classification: Likely benign for Inborn genetic diseases. Last evaluated: 2021-07-19. Review status: criteria provided, single submitter. Criteria: Ambry Variant Classification Scheme 2023. Collection method: clinical testing. Allele origin: germline.

PreventionGenetics, part of Exact Sciences
Classification: Likely benign for MACF1-related condition. Last evaluated: 2022-04-04. Review status: no assertion criteria provided. Collection method: clinical testing. Allele origin: germline. Not counted in ClinVar's aggregate classification.
Comment: This variant is classified as likely benign based on ACMG/AMP sequence variant interpretation guidelines (Richards et al. 2015 PMID: 25741868, with internal and published modifications).